The following is an entry in ClinVar:

ClinVar aggregate classification (germline): Uncertain significance. Review status: criteria provided, multiple submitters, no conflicts (2 of 4 stars). 3 submissions from 3 submitters: Uncertain significance (3). Last evaluated 2023-10-25.

Conditions:
Hypercholesterolemia, autosomal dominant, 3 (FHCL3). Also called: Familial Hypercholesterolemia, Autosomal Dominant, 3; PCSK9-Related Familial Hypercholesterolemia, Autosomal Dominant; Familial hypercholesterolemia 3. Identifiers: MedGen C1863551, MONDO:0011369, OMIM 603776.

Allele frequency attached by ClinVar (database versions not stated): TOPMed below 0.00001; ExAC 0.00001; gnomAD 0.00001; gnomAD exomes 0.00001.
gnomAD v4.1: 17 of 1,613,876 alleles (0.0011%); highest among the groups gnomAD compares: East Asian, 0.0022%; no homozygotes.

Submissions (3):

Mayo Clinic Laboratories, Mayo Clinic
Classification: Uncertain significance. Last evaluated: 2023-10-25. Review status: criteria provided, single submitter. Criteria: ACMG Guidelines, 2015. Collection method: clinical testing. Allele origin: germline. Observed: 1 variant allele.
Comment: BP4

Quest Diagnostics Nichols Institute San Juan Capistrano
Classification: Uncertain significance. Last evaluated: 2023-06-13. Review status: criteria provided, single submitter. Criteria: Quest Diagnostics criteria. Collection method: clinical testing. Allele origin: unknown.
Comment: This variant has not been reported in individuals with PCSK9-related conditions in the published literature. The frequency of this variant in the general population, 0.000011 (3/282728 chromosomes (Genome Aggregation Database)), is uninformative in the assessment of its pathogenicity. Analysis of this variant using bioinformatics tools for the prediction of the effect of amino acid changes on protein structure and function yielded predictions that this variant is benign. Based on the available information, we are unable to determine the clinical significance of this variant.

Labcorp Genetics (formerly Invitae), Labcorp
Classification: Uncertain significance for Hypercholesterolemia, autosomal dominant, 3. Last evaluated: 2021-08-20. Review status: criteria provided, single submitter. Criteria: Invitae Variant Classification Sherloc (09022015). Collection method: clinical testing. Allele origin: germline.
Comment: This sequence change replaces glutamic acid with lysine at codon 197 of the PCSK9 protein (p.Glu197Lys). The glutamic acid residue is highly conserved and there is a small physicochemical difference between glutamic acid and lysine. This variant is present in population databases (rs772114791, ExAC 0.02%). This variant has not been reported in the literature in individuals affected with PCSK9-related conditions. Advanced modeling of protein sequence and biophysical properties (such as structural, functional, and spatial information, amino acid conservation, physicochemical variation, residue mobility, and thermodynamic stability) performed at Invitae indicates that this missense variant is not expected to disrupt PCSK9 protein function. In summary, the available evidence is currently insufficient to determine the role of this variant in disease. Therefore, it has been classified as a Variant of Uncertain Significance.

NM_174936.4(PCSK9):c.589G>A (p.Glu197Lys)

Gene: PCSK9 (proprotein convertase subtilisin/kexin type 9; plus strand). Cytogenetic location: 1p32.3.
Variant type: single nucleotide variant.
Coding change: c.589G>A on transcript NM_174936.4 (MANE Select); coding-DNA position 589, G replaced by A.
Protein change: p.Glu197Lys; replaces glutamic acid 197 with lysine.
Molecular consequence: missense variant.
Genome position (GRCh38, 1-based): chr1:55,052,343, G>A. VCF-style: chr1-55052343-G-A. GRCh37 (hg19) VCF-style: chr1-55518016-G-A.
Other names: p.Glu197Lys; c.712G>A, p.Glu238Lys (NM_001407240.1); c.589G>A, p.Glu197Lys (NM_001407241.1, NM_001407242.1, NM_001407244.1 and 1 more transcripts); c.532G>A, p.Glu178Lys (NM_001407243.1); c.397G>A, p.Glu133Lys (NM_001407245.1); c.214G>A, p.Glu72Lys (NM_001407246.1); short protein forms E197K, E133K, E72K, E238K, E178K.
Identifiers: ClinVar variation 1443411 (VCV001443411.10), dbSNP rs772114791, ClinGen allele CA043349.